The following is an entry in ClinVar:

ClinVar aggregate classification (germline): Uncertain significance (1 of 4 stars; one submission).

Conditions:
Anauxetic dysplasia. Identifiers: Orphanet 93347, MedGen C1846796, MONDO:0011773.

Submission:

Labcorp Genetics (formerly Invitae), Labcorp
Classification: Uncertain significance for Anauxetic dysplasia. Last evaluated: 2025-03-18. Review status: criteria provided, single submitter. Criteria: Invitae Variant Classification Sherloc (09022015). Collection method: clinical testing. Allele origin: germline.
Comment: This variant occurs in the RMRP gene, which encodes an RNA molecule that does not result in a protein product. This variant is not present in population databases (gnomAD no frequency). This variant has not been reported in the literature in individuals affected with RMRP-related conditions. Experimental studies and prediction algorithms are not available or were not evaluated, and the functional significance of this variant is currently unknown. In summary, the available evidence is currently insufficient to determine the role of this variant in disease. Therefore, it has been classified as a Variant of Uncertain Significance.

NC_000009.12:g.35658091TGG[1]

Gene: RMRP (RNA component of mitochondrial RNA processing endoribonuclease; minus strand). Cytogenetic location: 9p13.3.
Variant type: Microsatellite.
Genome position: GRCh38 VCF-style: chr9-35658090-TTGG-T. GRCh37 (hg19) VCF-style: chr9-35658087-TTGG-T.
Identifiers: ClinVar variation 4694818 (VCV004694818.1).